The following is an entry in ClinVar:

NM_017514.5(PLXNA3):c.210C>T (p.Pro70=)

Gene: PLXNA3 (plexin A3; plus strand). Cytogenetic location: Xq28.
Variant type: single nucleotide variant.
Coding change: c.210C>T on transcript NM_017514.5 (MANE Select); coding-DNA position 210, C replaced by T.
Protein change: p.Pro70=; no amino-acid change (proline 70 retained).
Molecular consequence: synonymous variant.
Genome position (GRCh38, 1-based): chrX:154,460,393, C>T. VCF-style: chrX-154460393-C-T. GRCh37 (hg19) VCF-style: chrX-153688733-C-T.
Identifiers: ClinVar variation 3048627 (VCV003048627.2), dbSNP rs57535644, ClinGen allele CA10563624.
Genomic context (GRCh38, chrX:154,460,393, plus strand): 5'-GAACCGAGTCTTTAAGCTGGCCCCCAACCTGACTGAGCTGCGGGCCCATGTCACGGGGCC[C>T]GTCGAGGACAACGCTCGCTGCTACCCGCCCCCCAGCATGCGCGTGTGTGCCCACCGCCTG-3'
Protein context (NP_059984.3, residues 60-80): LTELRAHVTG[Pro70=]VEDNARCYPP

ClinVar aggregate classification (germline): Likely benign (0 of 4 stars; one submission).

Conditions:
PLXNA3-related disorder. Also called: PLXNA3-related condition.

Allele frequency attached by ClinVar (database versions not stated): TOPMed 0.00010.
gnomAD v4.1: 115 of 1,206,074 alleles (0.0095%); highest among the groups gnomAD compares: East Asian, 0.033%; no homozygotes.

Submission:

PreventionGenetics, part of Exact Sciences
Classification: Likely benign for PLXNA3-related condition. Last evaluated: 2019-11-27. Review status: no assertion criteria provided. Collection method: clinical testing. Allele origin: germline.
Comment: This variant is classified as likely benign based on ACMG/AMP sequence variant interpretation guidelines (Richards et al. 2015 PMID: 25741868, with internal and published modifications).